The following is an entry in ClinVar:

NM_015166.4(MLC1):c.247T>A (p.Leu83Met)

Genes: MLC1 (modulator of VRAC current 1; minus strand), LOC125446261 (Sharpr-MPRA regulatory region 9327; plus strand). Cytogenetic location: 22q13.33.
Variant type: single nucleotide variant.
Coding change: c.247T>A on transcript NM_015166.4 (MANE Select); coding-DNA position 247, T replaced by A.
Protein change: p.Leu83Met; replaces leucine 83 with methionine.
Molecular consequence: missense variant. On other transcripts: non-coding transcript variant (3), intron variant (1).
Genome position (GRCh38, 1-based): chr22:50,083,104, A>T on the plus strand (T>A on the coding strand, the complement: MLC1 is on the minus strand). VCF-style: chr22-50083104-A-T. GRCh37 (hg19) VCF-style: chr22-50521533-A-T.
Other names: c.247T>A, p.Leu83Met (NM_001376472.1, NM_001376473.1, NM_001376474.1 and 9 more transcripts); c.10T>A, p.Leu4Met (NM_001376484.1); c.177+1622T>A (NM_001376480.1); short protein forms L83M, L4M.
Identifiers: ClinVar variation 2730216 (VCV002730216.3), dbSNP rs2518358338, ClinGen allele CA412111565.

ClinVar aggregate classification (germline): Uncertain significance (1 of 4 stars; one submission).

Submission:

Labcorp Genetics (formerly Invitae), Labcorp
Classification: Uncertain significance. Last evaluated: 2023-05-26. Review status: criteria provided, single submitter. Criteria: Invitae Variant Classification Sherloc (09022015). Collection method: clinical testing. Allele origin: germline.
Comment: In summary, the available evidence is currently insufficient to determine the role of this variant in disease. Therefore, it has been classified as a Variant of Uncertain Significance. This variant disrupts the p.Leu83 amino acid residue in MLC1. Other variant(s) that disrupt this residue have been determined to be pathogenic (PMID: 12939431; Invitae). This suggests that this residue is clinically significant, and that variants that disrupt this residue are likely to be disease-causing. Advanced modeling of protein sequence and biophysical properties (such as structural, functional, and spatial information, amino acid conservation, physicochemical variation, residue mobility, and thermodynamic stability) has been performed at Invitae for this missense variant, however the output from this modeling did not meet the statistical confidence thresholds required to predict the impact of this variant on MLC1 protein function. This variant has not been reported in the literature in individuals affected with MLC1-related conditions. This variant is not present in population databases (gnomAD no frequency). This sequence change replaces leucine, which is neutral and non-polar, with methionine, which is neutral and non-polar, at codon 83 of the MLC1 protein (p.Leu83Met).

Literature cited by the submitters: PubMed 12939431.